The following is an entry in ClinVar:

NM_000186.4(CFH):c.1334T>A (p.Val445Asp)

Gene: CFH (complement factor H; plus strand). Cytogenetic location: 1q31.3.
Variant type: single nucleotide variant.
Coding change: c.1334T>A on transcript NM_000186.4 (MANE Select); coding-DNA position 1334, T replaced by A.
Protein change: p.Val445Asp; replaces valine 445 with aspartic acid.
Molecular consequence: missense variant.
Genome position (GRCh38, 1-based): chr1:196,690,237, T>A. VCF-style: chr1-196690237-T-A. GRCh37 (hg19) VCF-style: chr1-196659367-T-A.
Other names: c.1334T>A, p.Val445Asp (NM_001014975.3); short protein forms V445D.
Identifiers: ClinVar variation 4704720 (VCV004704720.1).

ClinVar aggregate classification (germline): Uncertain significance (1 of 4 stars; one submission).

gnomAD v4.1: 2 of 1,613,252 alleles (0.00012%); highest among the groups gnomAD compares: Non-Finnish European, 0.00017%; no homozygotes.

Submission:

Labcorp Genetics (formerly Invitae), Labcorp
Classification: Uncertain significance. Last evaluated: 2025-08-07. Review status: criteria provided, single submitter. Criteria: Invitae Variant Classification Sherloc (09022015). Collection method: clinical testing. Allele origin: germline.
Comment: This sequence change replaces valine, which is neutral and non-polar, with aspartic acid, which is acidic and polar, at codon 445 of the CFH protein (p.Val445Asp). This variant is not present in population databases (gnomAD no frequency). This variant has not been reported in the literature in individuals affected with CFH-related conditions. An algorithm developed to predict the effect of missense changes on protein structure and function (PolyPhen-2) suggests that this variant is likely to be tolerated. In summary, the available evidence is currently insufficient to determine the role of this variant in disease. Therefore, it has been classified as a Variant of Uncertain Significance.